The following is an entry in ClinVar:

ClinVar aggregate classification (germline): Uncertain significance (1 of 4 stars; one submission).

Conditions:
Fanconi anemia (FA). Also called: Fanconi's anemia. Identifiers: Orphanet 84, MedGen C0015625, MeSH D005199, MONDO:0019391.

Submission:

Labcorp Genetics (formerly Invitae), Labcorp
Classification: Uncertain significance for Fanconi anemia. Last evaluated: 2022-03-18. Review status: criteria provided, single submitter. Criteria: Invitae Variant Classification Sherloc (09022015). Collection method: clinical testing. Allele origin: germline.
Comment: In summary, the available evidence is currently insufficient to determine the role of this variant in disease. Therefore, it has been classified as a Variant of Uncertain Significance. Algorithms developed to predict the effect of missense changes on protein structure and function output the following: SIFT: "Tolerated"; PolyPhen-2: "Benign"; Align-GVGD: "Class C0". The threonine amino acid residue is found in multiple mammalian species, which suggests that this missense change does not adversely affect protein function. This variant has not been reported in the literature in individuals affected with FANCD2-related conditions. This variant is not present in population databases (gnomAD no frequency). This sequence change replaces serine, which is neutral and polar, with threonine, which is neutral and polar, at codon 15 of the FANCD2 protein (p.Ser15Thr).

NM_001018115.3(FANCD2):c.44G>C (p.Ser15Thr)

Gene: FANCD2 (FA complementation group D2; plus strand). Cytogenetic location: 3p25.3.
Variant type: single nucleotide variant.
Coding change: c.44G>C on transcript NM_001018115.3 (MANE Select); coding-DNA position 44, G replaced by C.
Protein change: p.Ser15Thr; replaces serine 15 with threonine.
Molecular consequence: missense variant.
Genome position (GRCh38, 1-based): chr3:10,028,701, G>C. VCF-style: chr3-10028701-G-C. GRCh37 (hg19) VCF-style: chr3-10070385-G-C.
Other names: c.44G>C, p.Ser15Thr (NM_001319984.2, NM_001374253.1, NM_001374254.1 and 2 more transcripts); short protein forms S15T.
Identifiers: ClinVar variation 2113951 (VCV002113951.4), dbSNP rs2086517762, ClinGen allele CA351715796.